The following is an entry in ClinVar:

NM_015272.5(RPGRIP1L):c.3432+6T>G

Gene: RPGRIP1L (RPGRIP1 like; minus strand). Cytogenetic location: 16q12.2.
Variant type: single nucleotide variant.
Coding change: c.3432+6T>G on transcript NM_015272.5 (MANE Select); 6 bases into the intron after coding-DNA position 3432, T replaced by G.
Molecular consequence: intron variant.
Genome position (GRCh38, 1-based): chr16:53,622,213, A>C on the plus strand (T>G on the coding strand, the complement: RPGRIP1L is on the minus strand). VCF-style: chr16-53622213-A-C. GRCh37 (hg19) VCF-style: chr16-53656125-A-C.
Other names: c.3193-3005T>G (NM_001127897.4); c.3330+6T>G (NM_001330538.2); c.3295-3005T>G (NM_001308334.3).
Identifiers: ClinVar variation 598150 (VCV000598150.12), dbSNP rs543688285, ClinGen allele CA8057294.

ClinVar aggregate classification (germline): Uncertain significance. Review status: criteria provided, multiple submitters, no conflicts (2 of 4 stars). 4 submissions from 4 submitters: Uncertain significance (4). Last evaluated 2025-01-27.

Conditions:
Joubert syndrome 7 (JBTS7). Identifiers: Orphanet 220497, MedGen C1969053, MONDO:0012694, OMIM 611560.
Meckel syndrome, type 5 (MKS5). Identifiers: Orphanet 564, MedGen C1969052, MONDO:0012695, OMIM 611561.
COACH syndrome 3. Identifiers: MedGen C5436841, MONDO:0030862, OMIM 619113.
Meckel-Gruber syndrome. Also called: Dysencephalia splachnocystica; DYSENCEPHALIA SPLANCHNOCYSTICA; GRUBER SYNDROME. Identifiers: Orphanet 564, MedGen C0265215, MONDO:0018921.
Joubert syndrome. Also called: Familial aplasia of the vermis; CEREBELLOPARENCHYMAL DISORDER IV; JOUBERT-BOLTSHAUSER SYNDROME. Identifiers: Orphanet 475, MedGen C5979921, MONDO:0018772.

Allele frequency attached by ClinVar (database versions not stated): ExAC below 0.00001; gnomAD 0.00001 and 0.00003; gnomAD exomes 0.00001; TOPMed 0.00002; 1000 Genomes Project 30x 0.00031; 1000 Genomes Project 0.00040.
gnomAD v4.1: 7 of 661,266 alleles (0.0011%); highest among the groups gnomAD compares: African/African-American, 0.0091%; no homozygotes.

Submissions (4):

Women's Health and Genetics/Laboratory Corporation of America, LabCorp
Classification: Uncertain significance. Last evaluated: 2025-01-27. Review status: criteria provided, single submitter. Criteria: LabCorp Variant Classification Summary - May 2015. Collection method: clinical testing. Allele origin: germline.

Labcorp Genetics (formerly Invitae), Labcorp
Classification: Uncertain significance for Joubert syndrome; Meckel-Gruber syndrome. Last evaluated: 2024-10-26. Review status: criteria provided, single submitter. Criteria: Invitae Variant Classification Sherloc (09022015). Collection method: clinical testing. Allele origin: germline.
Comment: This sequence change falls in intron 23 of the RPGRIP1L gene. It does not directly change the encoded amino acid sequence of the RPGRIP1L protein. It affects a nucleotide within the consensus splice site. This variant is not present in population databases (gnomAD no frequency). This variant has not been reported in the literature in individuals affected with RPGRIP1L-related conditions. ClinVar contains an entry for this variant (Variation ID: 598150). Variants that disrupt the consensus splice site are a relatively common cause of aberrant splicing (PMID: 17576681, 9536098). Algorithms developed to predict the effect of sequence changes on RNA splicing suggest that this variant is not likely to affect RNA splicing. In summary, the available evidence is currently insufficient to determine the role of this variant in disease. Therefore, it has been classified as a Variant of Uncertain Significance.

Fulgent Genetics
Classification: Uncertain significance for Joubert syndrome 7; Meckel syndrome, type 5; COACH syndrome 3. Last evaluated: 2022-03-23. Review status: criteria provided, single submitter. Criteria: ACMG Guidelines, 2015. Collection method: clinical testing. Allele origin: unknown.

Eurofins Ntd Llc (ga)
Classification: Uncertain significance. Last evaluated: 2018-08-02. Review status: criteria provided, single submitter. Criteria: EGL ClinVar v180209 classification definitions. Collection method: clinical testing. Allele origin: germline. Observed: 1 variant allele, 1 heterozygote.

Literature cited by the submitters: PubMed 17576681 (cited by Labcorp Genetics (formerly Invitae), Labcorp); PubMed 9536098 (cited by Labcorp Genetics (formerly Invitae), Labcorp).